The following is an entry in ClinVar:

NM_000443.4(ABCB4):c.3170T>C (p.Leu1057Pro)

Gene: ABCB4 (ATP binding cassette subfamily B member 4; minus strand). Cytogenetic location: 7q21.12.
Variant type: single nucleotide variant.
Coding change: c.3170T>C on transcript NM_000443.4 (MANE Select); coding-DNA position 3170, T replaced by C.
Protein change: p.Leu1057Pro; replaces leucine 1057 with proline.
Molecular consequence: missense variant.
Genome position (GRCh38, 1-based): chr7:87,408,146, A>G on the plus strand (T>C on the coding strand, the complement: ABCB4 is on the minus strand). VCF-style: chr7-87408146-A-G. GRCh37 (hg19) VCF-style: chr7-87037462-A-G.
Other names: c.3170T>C (NM_000443.3); c.3170T>C, p.Leu1057Pro (NM_018849.3); c.3029T>C, p.Leu1010Pro (NM_018850.3); short protein forms L1010P, L1057P.
Identifiers: ClinVar variation 3594919 (VCV003594919.3).
Genomic context (GRCh38, chr7:87,408,146, plus strand): 5'-GTGCTCTTCCCACAGCCACTGCTGCCCACCAGGGCTAGTGTCTGGCCTTTCTTCACCTCC[A>G]GGCTCAGCCCCTGAAGCACTGGCACGTTTGCTCGGGTGGGATAGTTGAACACGACTTCAT-3'
Protein context (NP_000434.1, residues 1047-1067): ANVPVLQGLS[Leu1057Pro]EVKKGQTLAL

ClinVar aggregate classification (germline): Conflicting classifications of pathogenicity. Review status: criteria provided, conflicting classifications (1 of 4 stars). 3 submissions from 3 submitters: Likely pathogenic (1); Uncertain significance (2). Last evaluated 2025-03-18.

Conditions:
Low phospholipid associated cholelithiasis (GBD1). Also called: Gallstone cholecystitis; Gallbladder disease 1. Identifiers: Orphanet 69663, MedGen C2609268, MONDO:0010939, OMIM 600803.
Progressive familial intrahepatic cholestasis type 3. Also called: MDR3 DEFICIENCY; Low Gamma-GT Familial Intrahepatic Cholestasis. Identifiers: Orphanet 79305, MedGen C1865643, MONDO:0011214, OMIM 602347.
Cholestasis, intrahepatic, of pregnancy, 3. Identifiers: Orphanet 69665, MedGen C3554241, MONDO:0013995, OMIM 614972.

gnomAD v4.1: 2 of 1,614,180 alleles (0.00012%); highest among the groups gnomAD compares: Admixed American, 0.0033%; no homozygotes.

Submissions (3):

Labcorp Genetics (formerly Invitae), Labcorp
Classification: Uncertain significance. Last evaluated: 2025-03-18. Review status: criteria provided, single submitter. Criteria: Invitae Variant Classification Sherloc (09022015). Collection method: clinical testing. Allele origin: germline.
Comment: This sequence change replaces leucine, which is neutral and non-polar, with proline, which is neutral and non-polar, at codon 1057 of the ABCB4 protein (p.Leu1057Pro). This variant is present in population databases (rs371486074, gnomAD 0.006%). This missense change has been observed in individual(s) with ABCB4-related conditions (PMID: 34016879). ClinVar contains an entry for this variant (Variation ID: 3594919). Invitae Evidence Modeling of protein sequence and biophysical properties (such as structural, functional, and spatial information, amino acid conservation, physicochemical variation, residue mobility, and thermodynamic stability) has been performed for this missense variant. However, the output from this modeling did not meet the statistical confidence thresholds required to predict the impact of this variant on ABCB4 protein function. In summary, the available evidence is currently insufficient to determine the role of this variant in disease. Therefore, it has been classified as a Variant of Uncertain Significance.

GeneDx
Classification: Uncertain significance. Last evaluated: 2025-03-10. Review status: criteria provided, single submitter. Criteria: GeneDx Variant Classification Process June 2021. Collection method: clinical testing. Allele origin: germline. Affected: yes.
Comment: Not observed at significant frequency in large population cohorts (gnomAD); In silico analysis supports that this missense variant has a deleterious effect on protein structure/function; This variant is associated with the following publications: (PMID: 34016879)

Fulgent Genetics
Classification: Likely pathogenic for Low phospholipid associated cholelithiasis; Progressive familial intrahepatic cholestasis type 3; Cholestasis, intrahepatic, of pregnancy, 3. Last evaluated: 2024-06-25. Review status: criteria provided, single submitter. Criteria: ACMG Guidelines, 2015. Collection method: clinical testing. Allele origin: germline.

Literature cited by the submitters: PubMed 34016879 (cited by Labcorp Genetics (formerly Invitae), Labcorp).